The following is an entry in ClinVar:

NM_006019.4(TCIRG1):c.2162T>A (p.Ile721Asn)

Gene: TCIRG1 (T cell immune regulator 1, ATPase H+ transporting V0 subunit a3; plus strand). Cytogenetic location: 11q13.2.
Variant type: single nucleotide variant.
Coding change: c.2162T>A on transcript NM_006019.4 (MANE Select); coding-DNA position 2162, T replaced by A.
Protein change: p.Ile721Asn; replaces isoleucine 721 with asparagine.
Molecular consequence: missense variant.
Genome position (GRCh38, 1-based): chr11:68,050,180, T>A. VCF-style: chr11-68050180-T-A. GRCh37 (hg19) VCF-style: chr11-67817647-T-A.
Other names: c.1268T>A, p.Ile423Asn (NM_001351059.2); c.1514T>A, p.Ile505Asn (NM_006053.4); short protein forms I721N, I423N, I505N.
Identifiers: ClinVar variation 305817 (VCV000305817.14), dbSNP rs150260808, ClinGen allele CA6147423.

ClinVar aggregate classification (germline): Uncertain significance. Review status: criteria provided, multiple submitters, no conflicts (2 of 4 stars). 8 submissions from 8 submitters: Uncertain significance (5). 3 of the submissions do not count toward it. Last evaluated 2026-03-09.

Conditions:
Autosomal recessive osteopetrosis 1. Also called: ALBERS-SCHONBERG DISEASE, AUTOSOMAL RECESSIVE; TCIRG1-Related Autosomal Recessive Osteopetrosis; TCIRG1-Related Osteopetrosis. Identifiers: Orphanet 667, MedGen C1850127, MONDO:0009815, OMIM 259700.
Decreased total neutrophil count. Also called: Neutropenia. Identifiers: MedGen C0853697, MONDO:0001475, HP:0001875.

Allele frequency attached by ClinVar (database versions not stated): 1000 Genomes Project 30x 0.00016; 1000 Genomes Project 0.00020; gnomAD 0.00035; TOPMed 0.00053; ESP Exome Variant Server 0.00077.

Submissions (8):

Myriad Genetics, Inc.
Classification: Uncertain significance for Autosomal recessive osteopetrosis 1. Last evaluated: 2026-03-09. Review status: criteria provided, single submitter. Criteria: Myriad Autosomal Dominant, Autosomal Recessive and X-Linked Classification Criteria (2023). Collection method: clinical testing. Allele origin: unknown.
Comment: NM_006019.3(TCIRG1):c.2162T>A(I721N) is a missense variant classified as a variant of uncertain significance in the context of autosomal recessive osteopetrosis type 1. I721N has not been observed in cases with relevant disease. Relevant functional assessments of this variant are not available in the literature. I721N has been observed in referenced population frequency databases. In summary, there is insufficient evidence to classify NM_006019.3(TCIRG1):c.2162T>A(I721N) as pathogenic or benign. Please note: this variant was assessed in the context of healthy population screening.

Labcorp Genetics (formerly Invitae), Labcorp
Classification: Uncertain significance. Last evaluated: 2026-02-04. Review status: criteria provided, single submitter. Criteria: Invitae Variant Classification Sherloc (09022015). Collection method: clinical testing. Allele origin: germline.
Comment: This sequence change replaces isoleucine, which is neutral and non-polar, with asparagine, which is neutral and polar, at codon 721 of the TCIRG1 protein (p.Ile721Asn). This variant is present in population databases (rs150260808, gnomAD 0.07%). This variant has not been reported in the literature in individuals affected with TCIRG1-related conditions. ClinVar contains an entry for this variant (Variation ID: 305817). Invitae Evidence Modeling of protein sequence and biophysical properties (such as structural, functional, and spatial information, amino acid conservation, physicochemical variation, residue mobility, and thermodynamic stability) indicates that this missense variant is expected to disrupt TCIRG1 protein function with a positive predictive value of 80%. In summary, the available evidence is currently insufficient to determine the role of this variant in disease. Therefore, it has been classified as a Variant of Uncertain Significance.

GeneDx
Classification: Uncertain significance. Last evaluated: 2023-07-27. Review status: criteria provided, single submitter. Criteria: GeneDx Variant Classification Process June 2021. Collection method: clinical testing. Allele origin: germline. Affected: yes.
Comment: In silico analysis supports that this missense variant has a deleterious effect on protein structure/function; Has not been previously published as pathogenic or benign to our knowledge

Department of Pathology and Laboratory Medicine, Sinai Health System
Classification: Uncertain significance for Autosomal recessive osteopetrosis 1. Last evaluated: 2021-07-30. Review status: criteria provided, single submitter. Criteria: ACMG Guidelines, 2015. Collection method: research. Allele origin: germline.

Illumina Laboratory Services, Illumina
Classification: Uncertain significance for Autosomal recessive osteopetrosis 1. Last evaluated: 2018-01-12. Review status: criteria provided, single submitter. Criteria: ICSL Variant Classification Criteria 13 December 2019. Collection method: clinical testing. Allele origin: germline.

Laboratory of Immunopathology and Genetics, Medical Laboratory of Pediatric Oncology and Hematology, Central Clinical Hospital of the Medical University of Lodz
Classification: Uncertain significance for Neutropenia. Last evaluated: 2024-12-01. Review status: no assertion criteria provided. Collection method: clinical testing. Allele origin: germline. Affected: yes. Observed: 1 variant allele. Not counted in ClinVar's aggregate classification.

Clinical Genetics DNA and cytogenetics Diagnostics Lab, Erasmus MC, Erasmus Medical Center
Classification: Uncertain significance. Review status: no assertion criteria provided. Collection method: clinical testing. Allele origin: germline. Affected: yes. Study: VKGL Data-share Consensus. Not counted in ClinVar's aggregate classification.

Laboratory of Diagnostic Genome Analysis, Leiden University Medical Center (LUMC)
Classification: Uncertain significance. Review status: no assertion criteria provided. Collection method: clinical testing. Allele origin: germline. Affected: yes. Study: VKGL Data-share Consensus. Not counted in ClinVar's aggregate classification.